The following is an entry in ClinVar:

NM_015046.7(SETX):c.7770_7771insCTACAGCAGCGG (p.Pro2590_Ala2591insLeuGlnGlnArg)

Gene: SETX (senataxin; minus strand). Cytogenetic location: 9q34.13.
Variant type: Insertion.
Coding change: c.7770_7771insCTACAGCAGCGG on transcript NM_015046.7 (MANE Select); coding-DNA positions 7770 to 7771, CTACAGCAGCGG inserted.
Protein change: p.Pro2590_Ala2591insLeuGlnGlnArg.
Molecular consequence: inframe insertion.
Genome position: GRCh38 VCF-style: chr9-132264502-C-CCCGCTGCTGTAG. GRCh37 (hg19) VCF-style: chr9-135139889-C-CCCGCTGCTGTAG.
Other names: c.7770_7771insCTACAGCAGCGG, p.Pro2590_Ala2591insLeuGlnGlnArg (NM_001351527.2); c.7857_7858insCTACAGCAGCGG, p.Pro2619_Ala2620insLeuGlnGlnArg (NM_001351528.2).
Identifiers: ClinVar variation 2659645 (VCV002659645.24), dbSNP rs2538819622, ClinGen allele CA2695199430.

ClinVar aggregate classification (germline): Uncertain significance (1 of 4 stars; one submission).

Submission:

CeGaT Center for Human Genetics Tuebingen
Classification: Uncertain significance. Last evaluated: 2023-04-01. Review status: criteria provided, single submitter. Criteria: CeGaT Center For Human Genetics Tuebingen Variant Classification Criteria Version 2. Collection method: clinical testing. Allele origin: germline. Affected: yes. Observed: 1 variant allele.
Comment: SETX: PM2, PM4